The following is an entry in ClinVar:

NM_001321075.3(DLG4):c.1421G>A (p.Arg474Gln)

Gene: DLG4 (discs large MAGUK scaffold protein 4; minus strand). Cytogenetic location: 17p13.1.
Variant type: single nucleotide variant.
Coding change: c.1421G>A on transcript NM_001321075.3 (MANE Select); coding-DNA position 1421, G replaced by A.
Protein change: p.Arg474Gln; replaces arginine 474 with glutamine.
Molecular consequence: missense variant. On other transcripts: non-coding transcript variant (1).
Genome position (GRCh38, 1-based): chr17:7,194,376, C>T on the plus strand (G>A on the coding strand, the complement: DLG4 is on the minus strand). VCF-style: chr17-7194376-C-T. GRCh37 (hg19) VCF-style: chr17-7097695-C-T.
Other names: c.1412G>A, p.Arg471Gln (NM_001128827.4); c.1541G>A, p.Arg514Gln (NM_001321074.1); c.1241G>A, p.Arg414Gln (NM_001321076.3, NM_001321077.3); c.1550G>A, p.Arg517Gln (NM_001365.5); c.1340G>A, p.Arg447Gln (NM_001369566.3); short protein forms R414Q, R447Q, R471Q, R474Q, R514Q, R517Q.
Identifiers: ClinVar variation 975682 (VCV000975682.8), dbSNP rs773473959, ClinGen allele CA8336963.

ClinVar aggregate classification (germline): Likely benign. Review status: criteria provided, single submitter (1 of 4 stars). 2 submissions from 2 submitters: Likely benign (1). 1 of the submissions does not count toward it. Last evaluated 2025-03-01.

Conditions:
Intellectual disability. Also called: Intellectual developmental disorder; intellectual disabilities; Intellectual functioning disability. Identifiers: MedGen C3714756, MeSH D008607, MONDO:0001071, HP:0001249.

Allele frequency attached by ClinVar (database versions not stated): gnomAD 0.00001 and 0.00002; gnomAD exomes 0.00001 and 0.00002; ExAC 0.00002; TOPMed 0.00002.
gnomAD v4.1: 33 of 1,612,546 alleles (0.002%); highest among the groups gnomAD compares: South Asian, 0.0099%; 1 homozygote.

Submissions (2):

CeGaT Center for Human Genetics Tuebingen
Classification: Likely benign. Last evaluated: 2025-03-01. Review status: criteria provided, single submitter. Criteria: CeGaT Center For Human Genetics Tuebingen Variant Classification Criteria Version 2. Collection method: clinical testing. Allele origin: germline. Affected: yes. Observed: 1 variant allele.
Comment: DLG4: PP2, BS2

Centre de Biologie Pathologie Génétique, Centre Hospitalier Universitaire de Lille
Classification: Likely benign for Intellectual disability. Last evaluated: 2019-01-01. Review status: no assertion criteria provided. Collection method: clinical testing. Allele origin: inherited. Affected: yes. Not counted in ClinVar's aggregate classification.